The following is an entry in ClinVar:

ClinVar aggregate classification (germline): Uncertain significance (1 of 4 stars; one submission).

Allele frequency attached by ClinVar (database versions not stated): gnomAD 0.00005; gnomAD exomes 0.00001; TOPMed 0.00003.
gnomAD v4.1: 12 of 1,606,282 alleles (0.00075%); highest among the groups gnomAD compares: Admixed American, 0.017%; no homozygotes.

Submission:

Labcorp Genetics (formerly Invitae), Labcorp
Classification: Uncertain significance. Last evaluated: 2022-08-09. Review status: criteria provided, single submitter. Criteria: Invitae Variant Classification Sherloc (09022015). Collection method: clinical testing. Allele origin: germline.
Comment: In summary, the available evidence is currently insufficient to determine the role of this variant in disease. Therefore, it has been classified as a Variant of Uncertain Significance. Algorithms developed to predict the effect of missense changes on protein structure and function are either unavailable or do not agree on the potential impact of this missense change (SIFT: "Deleterious"; PolyPhen-2: "Benign"; Align-GVGD: "Class C0"). This variant has not been reported in the literature in individuals affected with ARL3-related conditions. This variant is present in population databases (no rsID available, gnomAD 0.01%). This sequence change replaces serine, which is neutral and polar, with asparagine, which is neutral and polar, at codon 55 of the ARL3 protein (p.Ser55Asn).

NM_004311.4(ARL3):c.164G>A (p.Ser55Asn)

Gene: ARL3 (ARF like GTPase 3; minus strand). Cytogenetic location: 10q24.32.
Variant type: single nucleotide variant.
Coding change: c.164G>A on transcript NM_004311.4 (MANE Select); coding-DNA position 164, G replaced by A.
Protein change: p.Ser55Asn; replaces serine 55 with asparagine.
Molecular consequence: missense variant.
Genome position (GRCh38, 1-based): chr10:102,699,473, C>T on the plus strand (G>A on the coding strand, the complement: ARL3 is on the minus strand). VCF-style: chr10-102699473-C-T. GRCh37 (hg19) VCF-style: chr10-104459230-C-T.
Other names: short protein forms S55N.
Identifiers: ClinVar variation 2074794 (VCV002074794.4), dbSNP rs1159431863, ClinGen allele CA377922871.